The following is an entry in ClinVar:

ClinVar aggregate classification (germline): Uncertain significance (1 of 4 stars; one submission).

Submission:

Labcorp Genetics (formerly Invitae), Labcorp
Classification: Uncertain significance. Last evaluated: 2022-07-26. Review status: criteria provided, single submitter. Criteria: Invitae Variant Classification Sherloc (09022015). Collection method: clinical testing. Allele origin: germline.
Comment: In summary, the available evidence is currently insufficient to determine the role of this variant in disease. Therefore, it has been classified as a Variant of Uncertain Significance. Algorithms developed to predict the effect of missense changes on protein structure and function (SIFT, PolyPhen-2, Align-GVGD) all suggest that this variant is likely to be tolerated. ClinVar contains an entry for this variant (Variation ID: 1352441). This variant has not been reported in the literature in individuals affected with TBCK-related conditions. This variant is not present in population databases (gnomAD no frequency). This sequence change replaces isoleucine, which is neutral and non-polar, with phenylalanine, which is neutral and non-polar, at codon 238 of the TBCK protein (p.Ile238Phe).

NM_001163435.3(TBCK):c.712A>T (p.Ile238Phe)

Gene: TBCK (TBC1 domain containing kinase; minus strand). Cytogenetic location: 4q24.
Variant type: single nucleotide variant.
Coding change: c.712A>T on transcript NM_001163435.3 (MANE Select); coding-DNA position 712, A replaced by T.
Protein change: p.Ile238Phe; replaces isoleucine 238 with phenylalanine.
Molecular consequence: missense variant.
Genome position (GRCh38, 1-based): chr4:106,248,929, T>A on the plus strand (A>T on the coding strand, the complement: TBCK is on the minus strand). VCF-style: chr4-106248929-T-A. GRCh37 (hg19) VCF-style: chr4-107170086-T-A.
Other names: c.712A>T, p.Ile238Phe (NM_001163436.4); c.595A>T, p.Ile199Phe (NM_001163437.3); c.196A>T, p.Ile66Phe (NM_001290768.2); c.523A>T, p.Ile175Phe (NM_033115.5); short protein forms I238F, I199F, I66F, I175F.
Identifiers: ClinVar variation 1352441 (VCV001352441.6), dbSNP rs1761125510, ClinGen allele CA357825086.